The following is an entry in ClinVar:

ClinVar aggregate classification (germline): Pathogenic/Likely pathogenic. Review status: criteria provided, multiple submitters, no conflicts (2 of 4 stars). 4 submissions from 4 submitters: Pathogenic (2); Likely pathogenic (1). 1 of the submissions does not count toward it. Last evaluated 2025-12-27.
ClinVar aggregate classification (somatic clinical impact): Tier I - Strong. Review status: criteria provided, single submitter (1 of 4 stars). 4 submissions from 1 submitter. 3 of the submissions do not count toward it. Last evaluated 2023-03-10.

Conditions:
RASopathy. Also called: rasopathies; Noonan spectrum disorder. Identifiers: Orphanet 536391, MedGen C5555857, MONDO:0021060.
Diffuse midline glioma, H3 K27M-mutant. Identifiers: MedGen C4289688, MONDO:0957196.
Diffuse pediatric-type high-grade glioma, H3-wildtype and IDH-wildtype. Identifiers: MedGen C5669918, MONDO:0858939.
Embryonal rhabdomyosarcoma (ERMS). Also called: Botryoid rhabdomyosarcoma (type of ERMS); Spindle cell rhabdomyosarcomas (type of ERMS). Identifiers: Orphanet 99757, MedGen C0206656, MONDO:0009993, HP:0006743.
Pilocytic astrocytoma. Also called: Pilocytic astrocytoma, somatic. Identifiers: Orphanet 251612, MedGen C0334583, MONDO:0016691, HP:0033680.

Submissions (8):

Labcorp Genetics (formerly Invitae), Labcorp
Classification: Likely pathogenic for RASopathy. Last evaluated: 2025-12-27. Review status: criteria provided, single submitter. Criteria: Invitae Variant Classification Sherloc (09022015). Collection method: clinical testing. Allele origin: germline.
Comment: This sequence change replaces alanine, which is neutral and non-polar, with valine, which is neutral and non-polar, at codon 72 of the PTPN11 protein (p.Ala72Val). This variant is not present in population databases (gnomAD no frequency). This missense change has been observed in individual(s) with hematological malignancies and/or Noonan syndrome with juvenile myelomonocytic leukemia (PMID: 12717436, 14644997, 14982869, 15385933, 30896080). ClinVar contains an entry for this variant (Variation ID: 41443). Invitae Evidence Modeling incorporating data from in vitro experimental studies (internal data) indicates that this missense variant is expected to disrupt PTPN11 function with a positive predictive value of 95%. Experimental studies have shown that this missense change affects PTPN11 function (PMID: 15834506, 16358218, 17177198, 28074573). This variant disrupts the p.Ala72 amino acid residue in PTPN11. Other variant(s) that disrupt this residue have been determined to be pathogenic (PMID: 12161469, 18759865, 26918529). This suggests that this residue is clinically significant, and that variants that disrupt this residue are likely to be disease-causing. In summary, the currently available evidence indicates that the variant is pathogenic, but additional data are needed to prove that conclusively. Therefore, this variant has been classified as Likely Pathogenic.

Institute for Genomic Medicine (IGM) Clinical Laboratory, Nationwide Children's Hospital
Classification: Tier II - Potential for Diffuse midline glioma, H3 K27M-mutant. Assertion type: diagnostic. Clinical significance: supports diagnosis. Last evaluated: 2025-07-02. Review status: criteria provided, single submitter. Criteria: AMP/ASCO/CAP Guidelines, 2017. Collection method: clinical testing. Allele origin: somatic. Affected: yes. Not counted in ClinVar's aggregate classification.
Comment: Variant has Tier II (potential) clinical significance as a diagnostic inclusion criterion in diffuse midline glioma, H3 K27M-mutant, based on the following evidence: 1) Documented in one or more cancer databases (e.g., St. Jude Pecan, COSMIC, CIViC, OncoKB). 2) Information in the literature supports potential biologic effect of variant (PMIDs: 15834506, 16358218). 3) Diagnostic significance based on multiple small studies (Evidence Level C; PMIDs: 28966033, 29763623, 28912153, 35697228).

Women's Health and Genetics/Laboratory Corporation of America, LabCorp
Classification: Pathogenic for RASopathy. Last evaluated: 2025-05-16. Review status: criteria provided, single submitter. Criteria: LabCorp Variant Classification Summary - May 2015. Collection method: clinical testing. Allele origin: germline.
Comment: Variant summary: PTPN11 c.215C>T (p.Ala72Val) results in a non-conservative amino acid change located in the SH2 domain (IPR000980) of the encoded protein sequence. Algorithms developed to predict the effect of missense changes on protein structure and function all suggest that this variant is likely to be disruptive. The variant was absent in 251056 control chromosomes. c.215C>T has been observed in individual(s) affected with Noonan Syndrome (Yu_2019). Different variants affecting the same codon have been classified as pathogenic by our lab (p.Ala72Thr, p.Ala72Pro, p.Ala72Ser, p.Ala72Gly), supporting the critical relevance of codon 72 to PTPN11 protein function. At least one publication reports experimental evidence evaluating an impact on protein function. The results show that this variant affects protein function (Tartaglia_2006, Bocchinfusu_2007). The following publications have been ascertained in the context of this evaluation (PMID: 16358218, 17177198, 30896080). ClinVar contains an entry for this variant (Variation ID: 41443). Based on the evidence outlined above, the variant was classified as pathogenic.

Institute for Genomic Medicine (IGM) Clinical Laboratory, Nationwide Children's Hospital
Classification: Tier II - Potential for Pilocytic astrocytoma. Assertion type: diagnostic. Clinical significance: supports diagnosis. Last evaluated: 2024-11-25. Review status: criteria provided, single submitter. Criteria: AMP/ASCO/CAP Guidelines, 2017. Collection method: clinical testing. Allele origin: somatic. Affected: yes. Not counted in ClinVar's aggregate classification.
Comment: Variant has Tier II (potential) clinical significance as a diagnostic inclusion criterion in pilocytic astrocytoma, based on the following evidence: 1) Documented in one or more cancer databases (e.g., St. Jude Pecan, COSMIC, CIViC, OncoKB). 2) Information in the literature supports potential biologic effect of variant (PMIDs: 15834506, 16358218). 3) Diagnostic significance based on multiple small studies (Evidence Level C; PMIDs: 23817572, 28912153, 32164789).

Institute for Genomic Medicine (IGM) Clinical Laboratory, Nationwide Children's Hospital
Classification: Tier II - Potential for Diffuse pediatric-type high-grade glioma, H3-wildtype and IDH-wildtype. Assertion type: diagnostic. Clinical significance: supports diagnosis. Last evaluated: 2023-07-31. Review status: criteria provided, single submitter. Criteria: AMP/ASCO/CAP Guidelines, 2017. Collection method: clinical testing. Allele origin: somatic. Affected: yes. Not counted in ClinVar's aggregate classification.
Comment: Variant has Tier II (potential) clinical significance as a diagnostic inclusion criterion in diffuse pediatric-type high-grade glioma, H3-wildtype and IDH-wildtype, based on the following evidence: 1) Documented in one or more cancer databases (e.g., St. Jude Pecan, COSMIC, CIViC, OncoKB). 2) Appears in one or more well-established professional guidelines (e.g., World Health Organization [WHO]; National Comprehensive Cancer Network [NCCN]) as providing diagnostic, prognostic, or therapeutic information. 3) Information in the literature supports potential biologic effect of variant (PMIDs: 15834506, 16358218). 4) Diagnostic significance based on multiple small studies (Evidence Level C; PMIDs: 28966033, 29763623, 28912153).

Institute for Genomic Medicine (IGM) Clinical Laboratory, Nationwide Children's Hospital
Classification: Tier I - Strong for Embryonal rhabdomyosarcoma. Assertion type: diagnostic. Clinical significance: supports diagnosis. Last evaluated: 2023-03-10. Review status: criteria provided, single submitter. Criteria: AMP/ASCO/CAP Guidelines, 2017. Collection method: clinical testing. Allele origin: somatic. Affected: yes.
Comment: Variant has Tier I (strong) clinical significance as a diagnostic inclusion criterion in embryonal rhabdomyosarcoma, based on the following evidence: 1) Documented in one or more cancer databases (e.g., St. Jude Pecan, COSMIC, CIViC, OncoKB). 2) Information in the literature supports potential biologic effect of variant (PMIDs: 9491886, 15834506, 16053901, 16358218). 3) Diagnostic for a specific tumor type/classification based on well-powered studies with expert-level consensus (Evidence Level B; PMIDs: 24436047, 34166060, 26138366, 16518851, 19681119, 22142829).

GeneDx
Classification: Pathogenic. Last evaluated: 2015-05-22. Review status: criteria provided, single submitter. Criteria: GeneDx Variant Classification (06012015). Collection method: clinical testing. Allele origin: germline. Affected: yes.
Comment: The A72V missense variant in the PTPN11 gene has been reported previously in association with leukemogenesis in Noonan syndrome (Tartaglia et al., 2006; Bocchinfuso et al., 2007). It was not observed in approximately 6,500 individuals of European and African American ancestry in the NHLBI Exome Sequencing Project, indicating it is not a common benign variant in these populations. A72V is a conservative amino acid substitution, which is not likely to impact secondary protein structure as these residues share similar properties. This substitution occurs at a position that is conserved across species. In silico analysis predicts this variant is probably damaging to the protein structure/function. Missense variants at the same codon (A72S, A72P, A72G) and in nearby residues (Y62N/C, Y63C, E69Q/V, F71I, T73I, E76I/G/A/D/, Q79P/R) have been reported in the Human Gene Mutation Database in association with Noonan syndrome (Stenson et al., 2014), supporting the functional importance of this region of the protein. In addition, functional studies of the A72V variant have shown that it results in a conformational shift impairing interactions between the N-SH2 domain and catalytic site while displacing the N-SH2 loop of the protein (Bocchoinfuso et al., 2007).

Eurofins Ntd Llc (ga)
Classification: Uncertain significance. Last evaluated: 2013-03-01. Review status: flagged submission. Criteria: EGL Classification Definitions 2015. Collection method: clinical testing. Allele origin: germline. Observed: 1 variant allele, 1 heterozygote. Not counted in ClinVar's aggregate classification.
ClinVar note: Reason: Older and outlier claim with insufficient supporting evidence

Literature cited by the submitters: PubMed 12717436 (cited by Labcorp Genetics (formerly Invitae), Labcorp and Women's Health and Genetics/Laboratory Corporation of America, LabCorp); PubMed 14644997 (cited by Labcorp Genetics (formerly Invitae), Labcorp and Women's Health and Genetics/Laboratory Corporation of America, LabCorp).

NM_002834.5(PTPN11):c.215C>T (p.Ala72Val)

Gene: PTPN11 (protein tyrosine phosphatase non-receptor type 11; plus strand). Cytogenetic location: 12q24.13.
Variant type: single nucleotide variant.
Coding change: c.215C>T on transcript NM_002834.5 (MANE Select); coding-DNA position 215, C replaced by T.
Protein change: p.Ala72Val; replaces alanine 72 with valine.
Molecular consequence: missense variant.
Genome position (GRCh38, 1-based): chr12:112,450,395, C>T. VCF-style: chr12-112450395-C-T. GRCh37 (hg19) VCF-style: chr12-112888199-C-T.
Other names: c.215C>T, p.Ala72Val (NM_001330437.2, NM_080601.3); c.212C>T, p.Ala71Val (NM_001374625.1); short protein forms A72V, A71V.
Identifiers: ClinVar variation 41443 (VCV000041443.12), dbSNP rs121918454, ClinGen allele CA215451.
Genomic context (GRCh38, chr12:112,450,395, plus strand): 5'-CCCACATCAAGATTCAGAACACTGGTGATTACTATGACCTGTATGGAGGGGAGAAATTTG[C>T]CACTTTGGCTGAGTTGGTCCAGTATTACATGGAACATCACGGGCAATTAAAAGAGAAGAA-3'
Protein context (NP_002825.3, residues 62-82): YYDLYGGEKF[Ala72Val]TLAELVQYYM